The following is an entry in ClinVar:

NM_001085487.3(MYSM1):c.1606G>C (p.Glu536Gln)

Gene: MYSM1 (Myb like, SWIRM and MPN domains 1; minus strand). Cytogenetic location: 1p32.1.
Variant type: single nucleotide variant.
Coding change: c.1606G>C on transcript NM_001085487.3 (MANE Select); coding-DNA position 1606, G replaced by C.
Protein change: p.Glu536Gln; replaces glutamic acid 536 with glutamine.
Molecular consequence: missense variant.
Genome position (GRCh38, 1-based): chr1:58,671,925, C>G on the plus strand (G>C on the coding strand, the complement: MYSM1 is on the minus strand). VCF-style: chr1-58671925-C-G. GRCh37 (hg19) VCF-style: chr1-59137597-C-G.
Other names: c.1606G>C (NM_001085487.2); short protein forms E536Q.
Identifiers: ClinVar variation 1345744 (VCV001345744.7), dbSNP rs202233038, ClinGen allele CA877738.
Genomic context (GRCh38, chr1:58,671,925, plus strand): 5'-TACACCTTTTTGTTGGTCTTGGCACTTTTAAAGATTTAACAGGTCTGCCTTTTTCCTCTT[C>G]TCTTCTTTTTGCCAACTCCTCAGCAGAGAGATGCTAAAACAAAATGCCAATTGATTAAGG-3'
Protein context (NP_001078956.1, residues 526-546): LSAEELAKRR[Glu536Gln]EEKGRPVKSL

ClinVar aggregate classification (germline): Uncertain significance. Review status: criteria provided, multiple submitters, no conflicts (2 of 4 stars). 2 submissions from 2 submitters: Uncertain significance (2). Last evaluated 2025-08-09.

Conditions:
Inborn genetic diseases. Identifiers: MedGen C0950123, MeSH D030342.

Allele frequency attached by ClinVar (database versions not stated): 1000 Genomes Project 0.00060; 1000 Genomes Project 30x 0.00078; gnomAD exomes 0.00004 and 0.00007; ExAC 0.00007; ESP Exome Variant Server 0.00025; gnomAD 0.00029; TOPMed 0.00042.
gnomAD v4.1: 106 of 1,613,272 alleles (0.0066%); highest among the groups gnomAD compares: African/African-American, 0.13%; no homozygotes.

Submissions (2):

Ambry Genetics
Classification: Uncertain significance for Inborn genetic diseases. Last evaluated: 2025-08-09. Review status: criteria provided, single submitter. Criteria: Ambry Variant Classification Scheme 2023. Collection method: clinical testing. Allele origin: germline.

Labcorp Genetics (formerly Invitae), Labcorp
Classification: Uncertain significance. Last evaluated: 2024-12-09. Review status: criteria provided, single submitter. Criteria: Invitae Variant Classification Sherloc (09022015). Collection method: clinical testing. Allele origin: germline.
Comment: This sequence change replaces glutamic acid, which is acidic and polar, with glutamine, which is neutral and polar, at codon 536 of the MYSM1 protein (p.Glu536Gln). This variant is present in population databases (rs202233038, gnomAD 0.1%). This variant has not been reported in the literature in individuals affected with MYSM1-related conditions. ClinVar contains an entry for this variant (Variation ID: 1345744). Invitae Evidence Modeling of protein sequence and biophysical properties (such as structural, functional, and spatial information, amino acid conservation, physicochemical variation, residue mobility, and thermodynamic stability) indicates that this missense variant is expected to disrupt MYSM1 protein function with a positive predictive value of 80%. In summary, the available evidence is currently insufficient to determine the role of this variant in disease. Therefore, it has been classified as a Variant of Uncertain Significance.